The following is an entry in ClinVar:

NM_000352.6(ABCC8):c.4656G>A (p.Lys1552=)

Gene: ABCC8 (ATP binding cassette subfamily C member 8; minus strand). Cytogenetic location: 11p15.1.
Variant type: single nucleotide variant.
Coding change: c.4656G>A on transcript NM_000352.6 (MANE Select); coding-DNA position 4656, G replaced by A.
Protein change: p.Lys1552=; no amino-acid change (lysine 1552 retained).
Molecular consequence: synonymous variant. On other transcripts: non-coding transcript variant (1).
Genome position (GRCh38, 1-based): chr11:17,393,081, C>T on the plus strand (G>A on the coding strand, the complement: ABCC8 is on the minus strand). VCF-style: chr11-17393081-C-T. GRCh37 (hg19) VCF-style: chr11-17414628-C-T.
Other names: c.4659G>A, p.Lys1553= (NM_001287174.3); c.4722G>A, p.Lys1574= (NM_001351295.2); c.4656G>A, p.Lys1552= (NM_001351296.2); c.4653G>A, p.Lys1551= (NM_001351297.2).
Identifiers: ClinVar variation 745661 (VCV000745661.21), dbSNP rs145386421, ClinGen allele CA5902389.

ClinVar aggregate classification (germline): Conflicting classifications of pathogenicity. Review status: criteria provided, conflicting classifications (1 of 4 stars). 8 submissions from 7 submitters: Uncertain significance (3); Benign (1); Likely benign (3). 1 of the submissions does not count toward it. Last evaluated 2026-01-31.

Conditions:
Inborn genetic diseases. Identifiers: MedGen C0950123, MeSH D030342.
Hereditary hyperinsulinism.
Transitory neonatal diabetes mellitus. Also called: Transient neonatal diabetes mellitus. Identifiers: MedGen C0342273, MONDO:0020525, HP:0008255.
Maturity-onset diabetes of the young (MODY). Also called: Maturity onset diabetes mellitus in young. Identifiers: Orphanet 552, MedGen C0342276, MONDO:0018911, HP:0004904.

Allele frequency attached by ClinVar (database versions not stated): gnomAD exomes 0.00015 and 0.00035; ExAC 0.00040; ESP Exome Variant Server 0.00069; 1000 Genomes Project 0.00100; gnomAD 0.00107 and 0.00115; 1000 Genomes Project 30x 0.00109; TOPMed 0.00114.
gnomAD v4.1: 397 of 1,614,056 alleles (0.025%); highest among the groups gnomAD compares: African/African-American, 0.32%; 2 homozygotes.

Submissions (8):

Labcorp Genetics (formerly Invitae), Labcorp
Classification: Benign. Last evaluated: 2026-01-31. Review status: criteria provided, single submitter. Criteria: Invitae Variant Classification Sherloc (09022015). Collection method: clinical testing. Allele origin: germline.

Women's Health and Genetics/Laboratory Corporation of America, LabCorp
Classification: Likely benign. Last evaluated: 2025-01-03. Review status: criteria provided, single submitter. Criteria: LabCorp Variant Classification Summary - May 2015. Collection method: clinical testing. Allele origin: germline.

Blueprint Genetics
Classification: Likely benign. Last evaluated: 2024-07-23. Review status: criteria provided, single submitter. Criteria: ACMG Guidelines, 2015. Collection method: clinical testing. Allele origin: germline.

Ambry Genetics
Classification: Likely benign for Inborn genetic diseases. Last evaluated: 2022-06-22. Review status: criteria provided, single submitter. Criteria: Ambry Variant Classification Scheme 2023. Collection method: clinical testing. Allele origin: germline.

Genetic Services Laboratory, University of Chicago
Classification: Uncertain significance. Last evaluated: 2020-05-20. Review status: criteria provided, single submitter. Criteria: ACMG Guidelines, 2015. Collection method: clinical testing. Allele origin: germline. Affected: no.

Clinical Genomics, Uppaluri K&H Personalized Medicine Clinic
Classification: Uncertain significance for Transitory neonatal diabetes mellitus. Review status: criteria provided, single submitter. Criteria: K & H Uppaluri Personalized Medicine Clinic Variant Classification & Assertion Criteria_Updated V.1. Collection method: research. Allele origin: somatic. Inheritance: Somatic mutation.
Comment: Mutations in ABCC8 gene are associated with both neonatal diabetes mellitus as well as MODY. Patients with this mutation may have a better response to sulfonylureas. However, no sufficient evidence is found to ascertain the role of this particular variant (rs145386421 ) in neonatal diabetes yet.

Clinical Genomics, Uppaluri K&H Personalized Medicine Clinic
Classification: Uncertain significance for Maturity-onset diabetes of the young. Review status: criteria provided, single submitter. Criteria: K & H Uppaluri Personalized Medicine Clinic Variant Classification & Assertion Criteria_Updated V.1. Collection method: research. Allele origin: somatic. Inheritance: Somatic mutation.
Comment: Mutations in ABCC8 gene are associated with both neonatal diabetes mellitus as well as MODY. Patients with this mutation may have a better response to sulfonylureas. However, no sufficient evidence is found to ascertain the role of this particular variant ( rs145386421 ) in MODY yet.

Natera, Inc.
Classification: Uncertain significance for Hereditary hyperinsulinism. Last evaluated: 2020-04-10. Review status: no assertion criteria provided. Collection method: clinical testing. Allele origin: germline. Not counted in ClinVar's aggregate classification.

Literature cited by the submitters: PubMed 16885549 (cited by Clinical Genomics, Uppaluri K&H Personalized Medicine Clinic); PubMed 21989597 (cited by Clinical Genomics, Uppaluri K&H Personalized Medicine Clinic); PubMed 27538677 (cited by Clinical Genomics, Uppaluri K&H Personalized Medicine Clinic); PubMed 18981553 (cited by Clinical Genomics, Uppaluri K&H Personalized Medicine Clinic); PubMed 32027066 (cited by Clinical Genomics, Uppaluri K&H Personalized Medicine Clinic); PubMed 16613899 (cited by Clinical Genomics, Uppaluri K&H Personalized Medicine Clinic); PubMed 18025408 (cited by Clinical Genomics, Uppaluri K&H Personalized Medicine Clinic); PubMed 32792356 (cited by Clinical Genomics, Uppaluri K&H Personalized Medicine Clinic).